The following is an entry in ClinVar:

NM_006648.4(WNK2):c.5065A>G (p.Thr1689Ala)

Gene: WNK2 (WNK lysine deficient protein kinase 2; plus strand). Cytogenetic location: 9q22.31.
Variant type: single nucleotide variant.
Coding change: c.5065A>G on transcript NM_006648.4 (MANE Select); coding-DNA position 5065, A replaced by G.
Protein change: p.Thr1689Ala; replaces threonine 1689 with alanine.
Molecular consequence: missense variant.
Genome position (GRCh38, 1-based): chr9:93,292,530, A>G. VCF-style: chr9-93292530-A-G. GRCh37 (hg19) VCF-style: chr9-96054812-A-G.
Other names: c.5176A>G, p.Thr1726Ala (NM_001282394.3); short protein forms T1689A, T1726A.
Identifiers: ClinVar variation 5031934 (VCV005031934.1).

ClinVar aggregate classification (germline): Uncertain significance (1 of 4 stars; one submission).

Submission:

Ambry Genetics
Classification: Uncertain significance. Last evaluated: 2026-08-18. Review status: criteria provided, single submitter. Criteria: Ambry Variant Classification Scheme 2023. Collection method: clinical testing. Allele origin: germline.
Comment: The p.T1689A variant (also known as c.5065A>G), located in coding exon 22 of the WNK2 gene, results from an A to G substitution at nucleotide position 5065. The threonine at codon 1689 is replaced by alanine, an amino acid with similar properties. This amino acid position is conserved. In addition, this alteration is predicted to be tolerated by in silico analysis. Based on the available evidence, the clinical significance of this variant remains unclear.